The following is an entry in ClinVar:

NM_144643.4(SCLT1):c.1873T>C (p.Ser625Pro)

Gene: SCLT1 (sodium channel and clathrin linker 1; minus strand). Cytogenetic location: 4q28.2.
Variant type: single nucleotide variant.
Coding change: c.1873T>C on transcript NM_144643.4 (MANE Select); coding-DNA position 1873, T replaced by C.
Protein change: p.Ser625Pro; replaces serine 625 with proline.
Molecular consequence: missense variant.
Genome position (GRCh38, 1-based): chr4:128,891,094, A>G on the plus strand (T>C on the coding strand, the complement: SCLT1 is on the minus strand). VCF-style: chr4-128891094-A-G. GRCh37 (hg19) VCF-style: chr4-129812249-A-G.
Other names: c.1873T>C (NM_144643.2, NM_144643.3); short protein forms S625P.
Identifiers: ClinVar variation 2086196 (VCV002086196.5), dbSNP rs777465945, ClinGen allele CA3079490.

ClinVar aggregate classification (germline): Uncertain significance. Review status: criteria provided, multiple submitters, no conflicts (2 of 4 stars). 3 submissions from 3 submitters: Uncertain significance (3). Last evaluated 2026-04-05.

Conditions:
SCLT1-related disorder. Also called: SCLT1-related condition.

Allele frequency attached by ClinVar (database versions not stated): gnomAD exomes 0.00003; TOPMed 0.00003; ExAC 0.00006.
gnomAD v4.1: 16 of 1,613,086 alleles (0.00099%); highest among the groups gnomAD compares: Admixed American, 0.027%; no homozygotes.

Submissions (3):

PreventionGenetics, part of Exact Sciences
Classification: Uncertain significance for SCLT1-related condition. Last evaluated: 2026-04-05. Review status: criteria provided, single submitter. Criteria: ACMG Guidelines, 2015. Collection method: clinical testing. Allele origin: germline.
Comment: The SCLT1 c.1873T>C variant is predicted to result in the amino acid substitution p.Ser625Pro. To our knowledge, this variant has not been reported in the literature. This variant is reported in 0.044% of alleles in individuals of Latino descent in gnomAD. At this time, the clinical significance of this variant is uncertain due to the absence of conclusive functional and genetic evidence.

Labcorp Genetics (formerly Invitae), Labcorp
Classification: Uncertain significance. Last evaluated: 2025-11-20. Review status: criteria provided, single submitter. Criteria: Invitae Variant Classification Sherloc (09022015). Collection method: clinical testing. Allele origin: germline.
Comment: This sequence change replaces serine, which is neutral and polar, with proline, which is neutral and non-polar, at codon 625 of the SCLT1 protein (p.Ser625Pro). This variant is present in population databases (rs777465945, gnomAD 0.05%). This variant has not been reported in the literature in individuals affected with SCLT1-related conditions. ClinVar contains an entry for this variant (Variation ID: 2086196). An algorithm developed to predict the effect of missense changes on protein structure and function (PolyPhen-2) suggests that this variant is likely to be disruptive. In summary, the available evidence is currently insufficient to determine the role of this variant in disease. Therefore, it has been classified as a Variant of Uncertain Significance.

Ambry Genetics
Classification: Uncertain significance. Last evaluated: 2025-08-04. Review status: criteria provided, single submitter. Criteria: Ambry Variant Classification Scheme 2023. Collection method: clinical testing. Allele origin: germline.